The following is an entry in ClinVar:

NM_000257.4(MYH7):c.5503G>A (p.Glu1835Lys)

Gene: MYH7 (myosin heavy chain 7; minus strand). Cytogenetic location: 14q11.2.
Variant type: single nucleotide variant.
Coding change: c.5503G>A on transcript NM_000257.4 (MANE Select); coding-DNA position 5503, G replaced by A.
Protein change: p.Glu1835Lys; replaces glutamic acid 1835 with lysine.
Molecular consequence: missense variant.
Genome position (GRCh38, 1-based): chr14:23,415,051, C>T on the plus strand (G>A on the coding strand, the complement: MYH7 is on the minus strand). VCF-style: chr14-23415051-C-T. GRCh37 (hg19) VCF-style: chr14-23884260-C-T.
Other names: c.5503G>A (LRG_384t1); short protein forms E1835K.
Identifiers: ClinVar variation 191726 (VCV000191726.1), dbSNP rs758436258, ClinGen allele CA016161.
Genomic context (GRCh38, chr14:23,415,051, plus strand): 5'-GCACCTGGTAGGTGAGCTCCTTGATGCGCCGCTCGCTCTTCCTCATGCCCTTCACCGACT[C>T]TGCGTTGCGCTTCTGCTCGGCCTCCAGCTCATTCTCCAGCTCCCGCACCCGCGCTTCCAG-3'
Protein context (NP_000248.2, residues 1825-1845): ELEAEQKRNA[Glu1835Lys]SVKGMRKSER

ClinVar aggregate classification (germline): Uncertain significance (1 of 4 stars; one submission).

Submission:

Biesecker Lab/Clinical Genomics Section, National Institutes of Health
Classification: Uncertain significance. Last evaluated: 2013-06-24. Review status: criteria provided, single submitter. Criteria: Ng et al. (Circ Cardiovasc Genet. 2013). Collection method: research. Allele origin: unknown. Observed: 1 variant allele. Study: ClinSeq.
Comment: The study set was not selected for affection status in relation to any cancer. Pathogenicity categories were based on literature curation. See Pubmed ID:23861362 for details.

Medical sequencing